The following is an entry in ClinVar:

ClinVar aggregate classification (germline): Conflicting classifications of pathogenicity. Review status: criteria provided, conflicting classifications (1 of 4 stars). 6 submissions from 6 submitters: Uncertain significance (4); Likely benign (1). 1 of the submissions does not count toward it. Last evaluated 2025-09-19.

Conditions:
Hereditary cancer-predisposing syndrome. Also called: Neoplastic Syndromes, Hereditary; Hereditary Cancer Syndrome; Hereditary neoplastic syndrome; Tumor predisposition. Identifiers: Orphanet 140162, MedGen C0027672, MeSH D009386, MONDO:0015356.
Hereditary breast ovarian cancer syndrome. Also called: Hereditary breast and ovarian cancer syndrome; Hereditary breast and/or ovarian cancer syndrome; BRCA1- and BRCA2-Associated Hereditary Breast and Ovarian Cancer; Hereditary breast and ovarian cancer; Breast and ovarian cancer; Hereditary breast and ovarian cancer syndrome (HBOC). Identifiers: Orphanet 145, MedGen C0677776, MeSH D061325, MONDO:0003582. Disease mechanism: loss of function.
Breast-ovarian cancer, familial, susceptibility to, 2 (BROVCA2). Also called: BRCA2 Hereditary Breast and Ovarian Cancer. Identifiers: Orphanet 145, MedGen C2675520, MONDO:0012933, OMIM 612555. Disease mechanism: loss of function.

Allele frequency attached by ClinVar (database versions not stated): gnomAD exomes below 0.00001; gnomAD 0.00001; TOPMed 0.00002.

Submissions (6):

Ambry Genetics
Classification: Uncertain significance for Hereditary cancer-predisposing syndrome. Last evaluated: 2025-09-19. Review status: criteria provided, single submitter. Criteria: Ambry Variant Classification Scheme 2023. Collection method: clinical testing. Allele origin: germline.
Comment: The p.E461K variant (also known as c.1381G>A), located in coding exon 9 of the BRCA2 gene, results from a G to A substitution at nucleotide position 1381. The glutamic acid at codon 461 is replaced by lysine, an amino acid with similar properties. This amino acid position is not well conserved in available vertebrate species. In addition, this alteration is predicted to be tolerated by in silico analysis. Since supporting evidence is limited at this time, the clinical significance of this alteration remains unclear.

Labcorp Genetics (formerly Invitae), Labcorp
Classification: Uncertain significance for Hereditary breast ovarian cancer syndrome. Last evaluated: 2025-05-05. Review status: criteria provided, single submitter. Criteria: Invitae Variant Classification Sherloc (09022015). Collection method: clinical testing. Allele origin: germline.
Comment: This sequence change replaces glutamic acid, which is acidic and polar, with lysine, which is basic and polar, at codon 461 of the BRCA2 protein (p.Glu461Lys). This variant is not present in population databases (gnomAD no frequency). This variant has not been reported in the literature in individuals affected with BRCA2-related conditions. ClinVar contains an entry for this variant (Variation ID: 141987). Invitae Evidence Modeling of protein sequence and biophysical properties (such as structural, functional, and spatial information, amino acid conservation, physicochemical variation, residue mobility, and thermodynamic stability) indicates that this missense variant is not expected to disrupt BRCA2 protein function with a negative predictive value of 95%. In summary, the available evidence is currently insufficient to determine the role of this variant in disease. Therefore, it has been classified as a Variant of Uncertain Significance.

University of Washington Department of Laboratory Medicine, University of Washington
Classification: Likely benign for Hereditary cancer-predisposing syndrome. Last evaluated: 2023-03-23. Review status: criteria provided, single submitter. Criteria: Dines et al. (Genet Med. 2020). Collection method: curation. Allele origin: germline.
Comment: Missense variant in a coldspot region where missense variants are very unlikely to be pathogenic (PMID:31911673).

BRCA2 exon 10 coldspot. Reclassification based on statistical prior probability.

Women's Health and Genetics/Laboratory Corporation of America, LabCorp
Classification: Uncertain significance. Last evaluated: 2021-04-10. Review status: criteria provided, single submitter. Criteria: LabCorp Variant Classification Summary - May 2015. Collection method: clinical testing. Allele origin: germline.
Comment: Variant summary: BRCA2 c.1381G>A (p.Glu461Lys) results in a conservative amino acid change in the encoded protein sequence. Five of five in-silico tools predict a benign effect of the variant on protein function. The variant was absent in 248314 control chromosomes. The available data on variant occurrences in the general population are insufficient to allow any conclusion about variant significance. To our knowledge, no occurrence of c.1381G>A in individuals affected with Hereditary Breast And Ovarian Cancer Syndrome and no experimental evidence demonstrating its impact on protein function have been reported. Four clinical diagnostic laboratories have submitted clinical-significance assessments for this variant to ClinVar after 2014 without evidence for independent evaluation. All laboratories classified the variant as uncertain significance. Based on the evidence outlined above, the variant was classified as uncertain significance.

Color Diagnostics, LLC DBA Color Health
Classification: Uncertain significance for Hereditary cancer-predisposing syndrome. Last evaluated: 2020-02-25. Review status: criteria provided, single submitter. Criteria: ACMG Guidelines, 2015. Collection method: clinical testing. Allele origin: germline.
Comment: This missense variant replaces glutamic acid with lysine at codon 461 of the BRCA2 protein. Computational prediction suggests that this variant may not impact protein structure and function (internally defined REVEL score threshold <= 0.5, PMID: 27666373). Splice site prediction tools suggest that this variant may not impact RNA splicing. To our knowledge, functional studies have not been performed for this variant. This variant has not been reported in individuals affected with hereditary cancer in the literature. This variant has not been identified in the general population by the Genome Aggregation Database (gnomAD). The available evidence is insufficient to determine the role of this variant in disease conclusively. Therefore, this variant is classified as a Variant of Uncertain Significance.

Counsyl
Classification: Uncertain significance for Breast-ovarian cancer, familial, susceptibility to, 2. Last evaluated: 2016-09-26. Review status: no assertion criteria provided. Collection method: clinical testing. Allele origin: unknown. Not counted in ClinVar's aggregate classification.

NM_000059.4(BRCA2):c.1381G>A (p.Glu461Lys)

Gene: BRCA2 (BRCA2 DNA repair associated; plus strand). Cytogenetic location: 13q13.1.
Variant type: single nucleotide variant.
Coding change: c.1381G>A on transcript NM_000059.4 (MANE Select); coding-DNA position 1381, G replaced by A.
Protein change: p.Glu461Lys; replaces glutamic acid 461 with lysine.
Molecular consequence: missense variant.
Genome position (GRCh38, 1-based): chr13:32,332,859, G>A. VCF-style: chr13-32332859-G-A. GRCh37 (hg19) VCF-style: chr13-32906996-G-A.
Other names: short protein forms E461K.
Identifiers: ClinVar variation 141987 (VCV000141987.25), dbSNP rs587782159, ClinGen allele CA011830.